The following is an entry in ClinVar:

ClinVar aggregate classification (germline): Uncertain significance (1 of 4 stars; one submission).

Conditions:
Hereditary cancer-predisposing syndrome. Also called: Tumor predisposition; Hereditary Cancer Syndrome; Neoplastic Syndromes, Hereditary; Hereditary neoplastic syndrome. Identifiers: Orphanet 140162, MedGen C0027672, MeSH D009386, MONDO:0015356.

Submission:

Ambry Genetics
Classification: Uncertain significance for Hereditary cancer-predisposing syndrome. Last evaluated: 2024-10-11. Review status: criteria provided, single submitter. Criteria: Ambry Variant Classification Scheme 2023. Collection method: clinical testing. Allele origin: germline.
Comment: The p.L2850M variant (also known as c.8548T>A), located in coding exon 57 of the ATM gene, results from a T to A substitution at nucleotide position 8548. The leucine at codon 2850 is replaced by methionine, an amino acid with highly similar properties. This amino acid position is conserved. In addition, the in silico prediction for this alteration is inconclusive. Based on the available evidence, the clinical significance of this variant remains unclear.

NM_000051.4(ATM):c.8548T>A (p.Leu2850Met)

Genes: ATM (ATM serine/threonine kinase; plus strand), C11orf65 (chromosome 11 open reading frame 65; minus strand). Cytogenetic location: 11q22.3.
Variant type: single nucleotide variant.
Coding change: c.8548T>A on transcript NM_000051.4 (MANE Select); coding-DNA position 8548, T replaced by A.
Protein change: p.Leu2850Met; replaces leucine 2850 with methionine.
Molecular consequence: missense variant. On other transcripts: intron variant (2).
Genome position (GRCh38, 1-based): chr11:108,345,872, T>A. VCF-style: chr11-108345872-T-A. GRCh37 (hg19) VCF-style: chr11-108216599-T-A.
Other names: c.8548T>A, p.Leu2850Met (NM_001351834.2); c.641-36801A>T (NM_001330368.2); c.695-10580A>T (NM_001351110.2); short protein forms L2850M.
Identifiers: ClinVar variation 3451824 (VCV003451824.1).
Genomic context (GRCh38, chr11:108,345,872, plus strand): 5'-GTTTTCCGTTACTTCTGCATGGAAAAATTCTTGGATCCAGCTATTTGGTTTGAGAAGCGA[T>A]TGGCTTATACGCGCAGTGTAGCTACTTCTTCTATTGGTAATCTTCTTGTACATATAGTAG-3'
Protein context (NP_000042.3, residues 2840-2860): LDPAIWFEKR[Leu2850Met]AYTRSVATSS